The following is an entry in ClinVar:

ClinVar aggregate classification (germline): Uncertain significance (1 of 4 stars; one submission).

Submission:

Labcorp Genetics (formerly Invitae), Labcorp
Classification: Uncertain significance. Last evaluated: 2024-07-03. Review status: criteria provided, single submitter. Criteria: Invitae Variant Classification Sherloc (09022015). Collection method: clinical testing. Allele origin: germline.
Comment: This variant, c.1441_1443del, results in the deletion of 1 amino acid(s) of the DFNA5 protein (p.Leu481del), but otherwise preserves the integrity of the reading frame. This variant is present in population databases (no rsID available, gnomAD 0.01%). This variant has not been reported in the literature in individuals affected with DFNA5-related conditions. Experimental studies and prediction algorithms are not available or were not evaluated, and the functional significance of this variant is currently unknown. In summary, the available evidence is currently insufficient to determine the role of this variant in disease. Therefore, it has been classified as a Variant of Uncertain Significance.

NM_001127453.2(GSDME):c.1438CTT[1] (p.Leu481del)

Gene: GSDME (gasdermin E; minus strand). Cytogenetic location: 7p15.3.
Variant type: Microsatellite.
Coding change: c.1438CTT[1] on transcript NM_001127453.2 (MANE Select); one copy of the 3-base unit CTT starting at c.1438; the reference has two copies in a row; one copy, 3 bases deleted.
Protein change: p.Leu481del; deletes leucine 481.
Genome position (GRCh38, 1-based): chr7:24,699,074-24,699,076, AAG deleted on the plus strand (CTT on the coding strand, the reverse complement: GSDME is on the minus strand); deleting any 3 consecutive bases within chr7:24,699,074-24,699,079 gives the same sequence; the position shown is the placement nearest the transcript's 3' end. VCF-style (leftmost placement, unchanged base first): chr7-24699073-AAAG-A. GRCh37 (hg19) VCF-style: chr7-24738692-AAAG-A.
Other names: c.946CTT[1], p.Leu317del (NM_001127454.2); c.1438CTT[1], p.Leu481del (NM_004403.3); short protein forms L481del, L317del.
Identifiers: ClinVar variation 3693285 (VCV003693285.2).